The following is an entry in ClinVar:

NM_001378743.1(CYLD):c.*2646G>A

Genes: CYLD (CYLD lysine 63 deubiquitinase; plus strand), CYLD-AS2 (CYLD antisense RNA 2; minus strand). Cytogenetic location: 16q12.1.
Variant type: single nucleotide variant.
Coding change: c.*2646G>A on transcript NM_001378743.1 (MANE Select); 2646 bases downstream of the stop codon, G replaced by A.
Molecular consequence: 3 prime UTR variant. On other transcripts: non-coding transcript variant (1).
Genome position (GRCh38, 1-based): chr16:50,799,154, G>A. VCF-style: chr16-50799154-G-A. GRCh37 (hg19) VCF-style: chr16-50833065-G-A.
Other names: c.*2646G>A (NM_001042355.2, NM_001042412.3, NM_001378744.1 and 12 more transcripts).
Identifiers: ClinVar variation 319542 (VCV000319542.5), dbSNP rs563329143, ClinGen allele CA10647640.

ClinVar aggregate classification (germline): Benign. Review status: criteria provided, single submitter (1 of 4 stars). 3 submissions from 1 submitter: Benign (3). Last evaluated 2018-01-12.

Conditions:
Brooke-Spiegler syndrome. Also called: CYLD Cutaneous Syndrome. Identifiers: Orphanet 79493, MedGen C1857941, MONDO:0011512, OMIM 605041.
Familial multiple trichoepitheliomata. Also called: Familial multiple trichoepithelioma. Identifiers: Orphanet 79493, Orphanet 867, MedGen C1275122, MONDO:0011114.
Familial cylindromatosis. Also called: Turban tumor syndrome; ANCELL-SPIEGLER CYLINDROMAS. Identifiers: Orphanet 211, Orphanet 79493, MedGen C1851526, MONDO:0007565, OMIM 132700.

Allele frequency attached by ClinVar (database versions not stated): gnomAD below 0.00001 and 0.00040; TOPMed 0.00005; gnomAD exomes 0.00015; 1000 Genomes Project 0.00260; 1000 Genomes Project 30x 0.00281.
gnomAD v4.1: 71 of 233,302 alleles (0.03%); highest among the groups gnomAD compares: South Asian, 1.3%; 1 homozygote.

Submissions (3):

Illumina Laboratory Services, Illumina
Classification: Benign for Brooke-Spiegler syndrome. Last evaluated: 2018-01-12. Review status: criteria provided, single submitter. Criteria: ICSL Variant Classification Criteria 13 December 2019. Collection method: clinical testing. Allele origin: germline.
Comment: This variant was observed in the ICSL laboratory as part of a predisposition screen in an ostensibly healthy population. It had not been previously curated by ICSL or reported in the Human Gene Mutation Database (HGMD: prior to June 1st, 2018), and was therefore a candidate for classification through an automated scoring system. Utilizing variant allele frequency, disease prevalence and penetrance estimates, and inheritance mode, an automated score was calculated to assess if this variant is too frequent to cause the disease. Based on the score and internal cut-off values, a variant classified as benign is not then subjected to further curation. The score for this variant resulted in a classification of benign for this disease.

Illumina Laboratory Services, Illumina
Classification: Benign for Trichoepithelioma, multiple familial, 1. Last evaluated: 2018-01-12. Review status: criteria provided, single submitter. Criteria: ICSL Variant Classification Criteria 13 December 2019. Collection method: clinical testing. Allele origin: germline.
Comment: the same text as in the submission from Illumina Laboratory Services, Illumina above.

Illumina Laboratory Services, Illumina
Classification: Benign for Familial cylindromatosis. Last evaluated: 2018-01-12. Review status: criteria provided, single submitter. Criteria: ICSL Variant Classification Criteria 13 December 2019. Collection method: clinical testing. Allele origin: germline.
Comment: the same text as in the submission from Illumina Laboratory Services, Illumina above.